The following is an entry in ClinVar:

NM_000531.6(OTC):c.299-8del

Gene: OTC (ornithine transcarbamylase; plus strand). Cytogenetic location: Xp11.4.
Variant type: Deletion.
Coding change: c.299-8del on transcript NM_000531.6 (MANE Select); 8 bases into the intron before coding-DNA position 299, one base deleted (T; older notation c.299-8delT).
Molecular consequence: intron variant.
Genome position (GRCh38, 1-based): chrX:38,381,334, T deleted; the last of 10 consecutive T bases (chrX:38,381,325-38,381,334); deleting any one gives the same sequence. VCF-style (leftmost placement, unchanged base first): chrX-38381324-CT-C. GRCh37 (hg19) VCF-style: chrX-38240577-CT-C.
Other names: NC_000023.10:g.38240587del.
Identifiers: ClinVar variation 197154 (VCV000197154.21), dbSNP rs764551624, ClinGen allele CA202717.

ClinVar aggregate classification (germline): Benign/Likely benign. Review status: criteria provided, multiple submitters, no conflicts (2 of 4 stars). 6 submissions from 6 submitters: Benign (3); Likely benign (1). 2 of the submissions do not count toward it. Last evaluated 2026-02-04.

Conditions:
Ornithine carbamoyltransferase deficiency (OTCD). Also called: ORNITHINE TRANSCARBAMYLASE DEFICIENCY; ORNITHINE TRANSCARBAMYLASE DEFICIENCY, HYPERAMMONEMIA DUE TO; Ornithine Carbamoyltransferase Deficiency Disease; OTC DEFICIENCY. Identifiers: Orphanet 664, MedGen C0268542, MONDO:0010703, OMIM 311250.

Submissions (8):

Labcorp Genetics (formerly Invitae), Labcorp
Classification: Benign for Ornithine carbamoyltransferase deficiency. Last evaluated: 2026-02-04. Review status: criteria provided, single submitter. Criteria: Invitae Variant Classification Sherloc (09022015). Collection method: clinical testing. Allele origin: germline.

Dasa
Classification: Benign. Last evaluated: 2025-12-15. Review status: criteria provided, single submitter. Criteria: DASA Assertion Criteria. Collection method: clinical testing. Allele origin: germline.
Comment: NM_000531.6(OTC):c.299-8del is a splice-region variant. Population frequency is inconsistent with a disease-causing role for this variant, and observations in unaffected individuals support a benign interpretation. Computational prediction algorithms are consistent with a benign effect. Therefore, based on the currently available evidence, this variant is classified as benign.

Blueprint Genetics
Classification: Likely benign. Last evaluated: 2024-11-28. Review status: criteria provided, single submitter. Criteria: ACMG Guidelines, 2015. Collection method: clinical testing. Allele origin: germline.

Eurofins Ntd Llc (ga)
Classification: Benign. Last evaluated: 2014-05-12. Review status: criteria provided, single submitter. Criteria: EGL Classification Definitions 2015. Collection method: clinical testing. Allele origin: germline. Observed: 1 variant allele, 1 heterozygote.

Clinical Genetics DNA and cytogenetics Diagnostics Lab, Erasmus MC, Erasmus Medical Center
Classification: Benign. Review status: no assertion criteria provided. Collection method: clinical testing. Allele origin: germline. Affected: yes. Study: VKGL Data-share Consensus. Not counted in ClinVar's aggregate classification.

Clinical Genetics, Academic Medical Center
Classification: Likely benign. Review status: no assertion criteria provided. Collection method: clinical testing. Allele origin: germline. Affected: yes. Study: VKGL Data-share Consensus. Not counted in ClinVar's aggregate classification.

Dr. Peter K. Rogan Lab, Western University
No classification provided (evidence only). Condition: Gastric cancer. Review status: no classification provided. Collection method: in vitro. Allele origin: not applicable. Functional consequence: retained intron. Not counted in ClinVar's aggregate classification.

Dr. Peter K. Rogan Lab, Western University
No classification provided (evidence only). Condition: Malignant tumor of esophagus. Review status: no classification provided. Collection method: in vitro. Allele origin: not applicable. Functional consequence: retained intron. Not counted in ClinVar's aggregate classification.